The following is an entry in ClinVar:

ClinVar aggregate classification (germline): Pathogenic (1 of 4 stars; one submission).

Conditions:
Jeune thoracic dystrophy. Also called: Jeune syndrome; Infantile thoracic dystrophy; Thoracic pelvic phalangeal dystrophy; Jeune's syndrome; Chondroectodermal dysplasia-like syndrome; Short-rib thoracic dysplasia. Identifiers: Orphanet 474, MedGen C0265275, MONDO:0018770.

Allele frequency attached by ClinVar (database versions not stated): ExAC 0.00003.

Submission:

Labcorp Genetics (formerly Invitae), Labcorp
Classification: Pathogenic for Jeune thoracic dystrophy. Last evaluated: 2023-05-05. Review status: criteria provided, single submitter. Criteria: Invitae Variant Classification Sherloc (09022015). Collection method: clinical testing. Allele origin: germline.
Comment: For these reasons, this variant has been classified as Pathogenic. This sequence change affects a donor splice site in intron 66 of the DYNC2H1 gene. It is expected to disrupt RNA splicing. Variants that disrupt the donor or acceptor splice site typically lead to a loss of protein function (PMID: 16199547), and loss-of-function variants in DYNC2H1 are known to be pathogenic (PMID: 23339108, 32753734). This variant is not present in population databases (gnomAD no frequency). Disruption of this splice site has been observed in individuals with short-rib polydactyly syndrome (PMID: 29068549). Algorithms developed to predict the effect of sequence changes on RNA splicing suggest that this variant may disrupt the consensus splice site.

Literature cited by the submitters: PubMed 16199547; PubMed 23339108; PubMed 32753734; PubMed 29068549.

NM_001377.3(DYNC2H1):c.10042+1G>A

Gene: DYNC2H1 (dynein cytoplasmic 2 heavy chain 1; plus strand). Cytogenetic location: 11q22.3.
Variant type: single nucleotide variant.
Coding change: c.10042+1G>A on transcript NM_001377.3 (MANE Select); the canonical splice donor site of the intron after coding-DNA position 10042, G replaced by A.
Molecular consequence: splice donor variant.
Genome position (GRCh38, 1-based): chr11:103,245,375, G>A. VCF-style: chr11-103245375-G-A. GRCh37 (hg19) VCF-style: chr11-103116104-G-A.
Other names: c.10063+1G>A (NM_001080463.2).
Identifiers: ClinVar variation 2862125 (VCV002862125.3), dbSNP rs756453245, ClinGen allele CA6254851.
Genomic context (GRCh38, chr11:103,245,375, plus strand): 5'-AGATGGATGGTGTAGAACCTGTTCTTTATCCATTATTGAGACGAGATCTGGTTGCTCAAG[G>A]TAAATAATTGACACTTTCCAGAGTGTAAATATTTTTAAAATTTCCAAAGTAAGTAATTAA-3'